The following is an entry in ClinVar:

NM_004621.6(TRPC6):c.390T>A (p.Asp130Glu)

Gene: TRPC6 (transient receptor potential cation channel subfamily C member 6; minus strand). Cytogenetic location: 11q22.1.
Variant type: single nucleotide variant.
Coding change: c.390T>A on transcript NM_004621.6 (MANE Select); coding-DNA position 390, T replaced by A.
Protein change: p.Asp130Glu; replaces aspartic acid 130 with glutamic acid.
Molecular consequence: missense variant.
Genome position (GRCh38, 1-based): chr11:101,504,579, A>T on the plus strand (T>A on the coding strand, the complement: TRPC6 is on the minus strand). VCF-style: chr11-101504579-A-T. GRCh37 (hg19) VCF-style: chr11-101375310-A-T.
Other names: c.390T>A, p.Asp130Glu (NM_001439335.1); short protein forms D130E.
Identifiers: ClinVar variation 4818950 (VCV004818950.1).

ClinVar aggregate classification (germline): Uncertain significance (1 of 4 stars; one submission).

Conditions:
Focal segmental glomerulosclerosis 2 (FSGS2). Identifiers: Orphanet 656, MedGen C1858915, MONDO:0011390, OMIM 603965.

gnomAD v4.1: 2 of 1,613,932 alleles (0.00012%); highest among the groups gnomAD compares: Non-Finnish European, 0.00017%; no homozygotes.

Submission:

Victorian Clinical Genetics Services, Murdoch Childrens Research Institute
Classification: Uncertain significance for Focal segmental glomerulosclerosis 2. Last evaluated: 2026-01-15. Review status: criteria provided, single submitter. Criteria: ACMG Guidelines, 2015. Collection method: clinical testing. Allele origin: germline. Affected: yes.
Comment: This variant is classified as VUS-3B. Evidence in support of pathogenic classification: Variant is present in gnomAD <0.001 for a dominant condition (v4: 2 heterozygote(s), 0 homozygote(s)); Missense variant predicted to be damaging by in silico tool(s) or highly conserved with a major amino acid change. Additional information: Variant is predicted to result in a missense amino acid change from Asp to Glu; This variant is heterozygous; This gene is associated with autosomal dominant disease; Alternative amino acid change(s) at the same position are present in gnomAD (highest allele count: v4: 2 heterozygote(s), 0 homozygote(s)); This variant has no previous evidence of pathogenicity; No published evidence of segregation with disease has been identified for this variant; No published functional evidence has been identified for this variant; No comparable missense variants have previous evidence for pathogenicity; Variant is located in the annotated ankyrin repeat domain (DECIPHER); Gain of function is a known mechanism of disease in this gene and is associated with glomerulosclerosis, focal segmental, 2 (MIM#603965). Reported variants are associated with current amplitude amplification and/or delay of the channel inactivation (PMID: 15879175, 32509715, 31266820); Inheritance information for this variant is not currently available in this individual.

Literature cited by the submitters: PubMed 31266820; PubMed 15879175; PubMed 32509715.